The following is an entry in ClinVar:

ClinVar aggregate classification (germline): Benign (1 of 4 stars; one submission).

Conditions:
Peutz-Jeghers syndrome (PJS). Also called: POLYPOSIS, HAMARTOMATOUS INTESTINAL; POLYPS-AND-SPOTS SYNDROME; Peutz-Jeghers polyposis; Periorificial lentiginosis syndrome. Identifiers: Orphanet 2869, MedGen C0031269, MeSH D010580, MONDO:0008280, OMIM 175200.

Submission:

Myriad Genetics, Inc.
Classification: Benign for Peutz-Jeghers syndrome. Last evaluated: 2025-03-25. Review status: criteria provided, single submitter. Criteria: Myriad Autosomal Dominant, Autosomal Recessive and X-Linked Classification Criteria (2023). Collection method: clinical testing. Allele origin: unknown.
Comment: This variant is considered benign. This variant is a silent/synonymous amino acid change and it is not expected to impact splicing.

NM_000455.5(STK11):c.261G>A (p.Arg87=)

Gene: STK11 (serine/threonine kinase 11; plus strand). Cytogenetic location: 19p13.3.
Variant type: single nucleotide variant.
Coding change: c.261G>A on transcript NM_000455.5 (MANE Select); coding-DNA position 261, G replaced by A.
Protein change: p.Arg87=; no amino-acid change (arginine 87 retained).
Molecular consequence: synonymous variant. On other transcripts: non-coding transcript variant (1).
Genome position (GRCh38, 1-based): chr19:1,207,174, G>A. VCF-style: chr19-1207174-G-A. GRCh37 (hg19) VCF-style: chr19-1207173-G-A.
Other names: c.261G>A, p.Arg87= (NM_001407255.1).
Identifiers: ClinVar variation 3904007 (VCV003904007.1).